The following is an entry in ClinVar:

NM_000448.3(RAG1):c.2251del (p.Arg751fs)

Gene: RAG1 (recombination activating 1; plus strand). Cytogenetic location: 11p12.
Variant type: Deletion.
Coding change: c.2251del on transcript NM_000448.3 (MANE Select); coding-DNA position 2251, one base deleted (A; older notation c.2251delA).
Protein change: p.Arg751fs; shifts the reading frame from arginine 751.
Molecular consequence: frameshift variant.
Genome position (GRCh38, 1-based): chr11:36,575,555, A deleted. VCF-style (leftmost placement, unchanged base first): chr11-36575554-CA-C. GRCh37 (hg19) VCF-style: chr11-36597104-CA-C.
Other names: c.2251del, p.Arg751fs (NM_001377277.1, NM_001377278.1, NM_001377279.1 and 1 more transcripts); short protein forms R751fs.
Identifiers: ClinVar variation 2942118 (VCV002942118.3), dbSNP rs2494759451, ClinGen allele CA2740093703.

ClinVar aggregate classification (germline): Pathogenic (1 of 4 stars; one submission).

Conditions:
Severe combined immunodeficiency, autosomal recessive, T cell-negative, B cell-negative, NK cell-positive. Also called: SCID, T CELL-NEGATIVE, B CELL-NEGATIVE, NK CELL-POSITIVE; SCID, AR, T-cell negative, B-cell negative, NK cell-positive; Severe combined immunodeficiency due to complete RAG1/2 deficiency. Identifiers: Orphanet 331206, MedGen C1832322, MONDO:0011086, OMIM 601457.
Combined immunodeficiency with skin granulomas. Identifiers: Orphanet 157949, MedGen C2673536, MONDO:0009306, OMIM 233650.

Submission:

Labcorp Genetics (formerly Invitae), Labcorp
Classification: Pathogenic for Combined immunodeficiency with skin granulomas; Severe combined immunodeficiency, autosomal recessive, T cell-negative, B cell-negative, NK cell-positive. Last evaluated: 2022-12-07. Review status: criteria provided, single submitter. Criteria: Invitae Variant Classification Sherloc (09022015). Collection method: clinical testing. Allele origin: germline.
Comment: This sequence change creates a premature translational stop signal (p.Arg751Glufs*29) in the RAG1 gene. While this is not anticipated to result in nonsense mediated decay, it is expected to disrupt the last 293 amino acid(s) of the RAG1 protein. This variant is not present in population databases (gnomAD no frequency). This variant has not been reported in the literature in individuals affected with RAG1-related conditions. This variant disrupts a region of the RAG1 protein in which other variant(s) (p.Lys992Glu) have been determined to be pathogenic (PMID: 11313270, 18442948, 24290284). This suggests that this is a clinically significant region of the protein, and that variants that disrupt it are likely to be disease-causing. For these reasons, this variant has been classified as Pathogenic.

Literature cited by the submitters: PubMed 11313270; PubMed 18442948; PubMed 24290284.